The following is an entry in ClinVar:

ClinVar aggregate classification (germline): Uncertain significance. Review status: criteria provided, single submitter (1 of 4 stars). 2 submissions from 2 submitters: Uncertain significance (1). 1 of the submissions does not count toward it. Last evaluated 2024-04-02.

Conditions:
Autosomal recessive osteopetrosis 1. Also called: ALBERS-SCHONBERG DISEASE, AUTOSOMAL RECESSIVE; TCIRG1-Related Osteopetrosis; TCIRG1-Related Autosomal Recessive Osteopetrosis. Identifiers: Orphanet 667, MedGen C1850127, MONDO:0009815, OMIM 259700.

Allele frequency attached by ClinVar (database versions not stated): gnomAD exomes 0.00001; TOPMed 0.00001.
gnomAD v4.1: 8 of 1,613,824 alleles (0.0005%); highest among the groups gnomAD compares: Middle Eastern, 0.099%; no homozygotes.

Submissions (2):

Labcorp Genetics (formerly Invitae), Labcorp
Classification: Uncertain significance. Last evaluated: 2024-04-02. Review status: criteria provided, single submitter. Criteria: Invitae Variant Classification Sherloc (09022015). Collection method: clinical testing. Allele origin: germline.
Comment: This sequence change replaces glycine, which is neutral and non-polar, with arginine, which is basic and polar, at codon 510 of the TCIRG1 protein (p.Gly510Arg). This variant is not present in population databases (gnomAD no frequency). This variant has not been reported in the literature in individuals affected with TCIRG1-related conditions. ClinVar contains an entry for this variant (Variation ID: 1009719). Advanced modeling of protein sequence and biophysical properties (such as structural, functional, and spatial information, amino acid conservation, physicochemical variation, residue mobility, and thermodynamic stability) performed at Invitae indicates that this missense variant is not expected to disrupt TCIRG1 protein function with a negative predictive value of 80%. In summary, the available evidence is currently insufficient to determine the role of this variant in disease. Therefore, it has been classified as a Variant of Uncertain Significance.

Natera, Inc.
Classification: Uncertain significance for Infantile malignant osteopetrosis. Last evaluated: 2020-02-21. Review status: no assertion criteria provided. Collection method: clinical testing. Allele origin: germline. Not counted in ClinVar's aggregate classification.

NM_006019.4(TCIRG1):c.1528G>A (p.Gly510Arg)

Gene: TCIRG1 (T cell immune regulator 1, ATPase H+ transporting V0 subunit a3; plus strand). Cytogenetic location: 11q13.2.
Variant type: single nucleotide variant.
Coding change: c.1528G>A on transcript NM_006019.4 (MANE Select); coding-DNA position 1528, G replaced by A.
Protein change: p.Gly510Arg; replaces glycine 510 with arginine.
Molecular consequence: missense variant.
Genome position (GRCh38, 1-based): chr11:68,047,946, G>A. VCF-style: chr11-68047946-G-A. GRCh37 (hg19) VCF-style: chr11-67815413-G-A.
Other names: c.634G>A, p.Gly212Arg (NM_001351059.2); c.880G>A, p.Gly294Arg (NM_006053.4); short protein forms G212R, G294R, G510R.
Identifiers: ClinVar variation 1009719 (VCV001009719.7), dbSNP rs868702370, ClinGen allele CA224208694.